The following is an entry in ClinVar:

ClinVar aggregate classification (germline): Benign/Likely benign. Review status: criteria provided, multiple submitters, no conflicts (2 of 4 stars). 7 submissions from 7 submitters: Benign (2); Likely benign (4). 1 of the submissions does not count toward it. Last evaluated 2026-09-01.

Conditions:
Cardiovascular phenotype. Identifiers: MedGen CN230736.
Long QT syndrome (LQTS). Identifiers: MedGen C0023976, MeSH D008133, MONDO:0002442. Disease mechanism: loss of function. Inheritance: Various modes of inheritance.

Allele frequency attached by ClinVar (database versions not stated): ExAC 0.00012; gnomAD exomes 0.00020; 1000 Genomes Project 30x 0.00234; 1000 Genomes Project 0.00260; gnomAD 0.00287 and 0.00317; TOPMed 0.00337.
gnomAD v4.1: 772 of 1,458,078 alleles (0.053%); highest among the groups gnomAD compares: African/African-American, 1%; 2 homozygotes.

Submissions (7):

CeGaT Center for Human Genetics Tuebingen
Classification: Likely benign. Last evaluated: 2026-09-01. Review status: criteria provided, single submitter. Criteria: CeGaT Center For Human Genetics Tuebingen Variant Classification Criteria Version 2. Collection method: clinical testing. Allele origin: germline. Affected: yes. Observed: 1 variant allele.
Comment: KCNH2: BS1

Labcorp Genetics (formerly Invitae), Labcorp
Classification: Benign for Long QT syndrome. Last evaluated: 2026-02-01. Review status: criteria provided, single submitter. Criteria: Invitae Variant Classification Sherloc (09022015). Collection method: clinical testing. Allele origin: germline.

Mayo Clinic Laboratories, Mayo Clinic
Classification: Likely benign. Last evaluated: 2025-06-12. Review status: criteria provided, single submitter. Criteria: ACMG Guidelines, 2015. Collection method: clinical testing. Allele origin: germline. Observed: 2 variant alleles.
Comment: BS1, BS4, PP2

Molecular Diagnostic Laboratory for Inherited Cardiovascular Disease, Montreal Heart Institute
Classification: Likely benign. Last evaluated: 2025-04-09. Review status: criteria provided, single submitter. Criteria: ACMG Guidelines, 2015. Collection method: clinical testing. Allele origin: germline. Affected: no.

ARUP Laboratories, Molecular Genetics and Genomics, ARUP Laboratories
Classification: Likely benign. Last evaluated: 2023-12-07. Review status: criteria provided, single submitter. Criteria: ARUP Molecular Germline Variant Investigation Process 2024. Collection method: clinical testing. Allele origin: germline.

Ambry Genetics
Classification: Benign for Cardiovascular phenotype. Last evaluated: 2016-11-01. Review status: criteria provided, single submitter. Criteria: Ambry Variant Classification Scheme 2023. Collection method: clinical testing. Allele origin: germline.

Cardiovascular Biomedical Research Unit, Royal Brompton & Harefield NHS Foundation Trust
No classification provided. Review status: no classification provided. Collection method: literature only. Allele origin: germline. Not counted in ClinVar's aggregate classification.
Comment: This variant has been reported in the following publications (PMID:14661677;PMID:19841300).

Literature cited by the submitters: PubMed 14661677 (cited by Mayo Clinic Laboratories, Mayo Clinic and Cardiovascular Biomedical Research Unit, Royal Brompton & Harefield NHS Foundation Trust); PubMed 19673885 (cited by Mayo Clinic Laboratories, Mayo Clinic); PubMed 19841300 (cited by Mayo Clinic Laboratories, Mayo Clinic and Cardiovascular Biomedical Research Unit, Royal Brompton & Harefield NHS Foundation Trust); PubMed 23303164 (cited by Mayo Clinic Laboratories, Mayo Clinic); PubMed 25351510 (cited by Mayo Clinic Laboratories, Mayo Clinic); PubMed 26746457 (cited by Mayo Clinic Laboratories, Mayo Clinic); PubMed 29752375 (cited by Mayo Clinic Laboratories, Mayo Clinic); PubMed 22581653 (cited by Cardiovascular Biomedical Research Unit, Royal Brompton & Harefield NHS Foundation Trust).

NM_000238.4(KCNH2):c.542G>A (p.Arg181Gln)

Gene: KCNH2 (potassium voltage-gated channel subfamily H member 2; minus strand). Cytogenetic location: 7q36.1.
Variant type: single nucleotide variant.
Coding change: c.542G>A on transcript NM_000238.4 (MANE Select); coding-DNA position 542, G replaced by A.
Protein change: p.Arg181Gln; replaces arginine 181 with glutamine.
Molecular consequence: missense variant.
Genome position (GRCh38, 1-based): chr7:150,958,433, C>T on the plus strand (G>A on the coding strand, the complement: KCNH2 is on the minus strand). VCF-style: chr7-150958433-C-T. GRCh37 (hg19) VCF-style: chr7-150655521-C-T.
Other names: c.542G>A (LRG_288t1); c.254G>A, p.Arg85Gln (NM_001406753.1, NM_001406756.1); c.365G>A, p.Arg122Gln (NM_001406755.1); c.242G>A, p.Arg81Gln (NM_001406757.1); c.542G>A, p.Arg181Gln (NM_172056.3); short protein forms R181Q, R122Q, R85Q, R81Q.
Identifiers: ClinVar variation 67510 (VCV000067510.24), dbSNP rs41308954, ClinGen allele CA008563.